The following is an entry in ClinVar:

ClinVar aggregate classification (germline): Conflicting classifications of pathogenicity. Review status: criteria provided, conflicting classifications (1 of 4 stars). 9 submissions from 9 submitters: Uncertain significance (5); Likely benign (1). 3 of the submissions do not count toward it. Last evaluated 2026-02-01.

Conditions:
LAMA2-related muscular dystrophy (LAMA2-RD). Also called: Laminin alpha 2-related dystrophy. Identifiers: MedGen C5679788, MONDO:0100228.
Muscular dystrophy, limb-girdle, autosomal recessive 23. Identifiers: Orphanet 565837, MedGen C4748327, MONDO:0029136, OMIM 618138.
Merosin deficient congenital muscular dystrophy (MDC1A). Also called: Congenital merosin-deficient muscular dystrophy 1A; Congenital Muscular Dystrophy Type 1A (MDC1A). Identifiers: Orphanet 258, MedGen C1263858, MONDO:0011925, OMIM 607855.
Congenital muscular dystrophy due to partial LAMA2 deficiency. Identifiers: MedGen C1842898.

Allele frequency attached by ClinVar (database versions not stated): ExAC 0.00017; gnomAD exomes 0.00019 and 0.00030; TOPMed 0.00019; gnomAD 0.00021 and 0.00024; ESP Exome Variant Server 0.00038.
gnomAD v4.1: 458 of 1,608,846 alleles (0.028%); highest among the groups gnomAD compares: Non-Finnish European, 0.037%; no homozygotes.

Submissions (9):

Labcorp Genetics (formerly Invitae), Labcorp
Classification: Likely benign for LAMA2-related muscular dystrophy. Last evaluated: 2026-02-01. Review status: criteria provided, single submitter. Criteria: Invitae Variant Classification Sherloc (09022015). Collection method: clinical testing. Allele origin: germline.

Revvity Omics, Revvity
Classification: Uncertain significance. Last evaluated: 2023-05-10. Review status: criteria provided, single submitter. Criteria: ACMG Guidelines, 2015. Collection method: clinical testing. Allele origin: germline.

Fulgent Genetics
Classification: Uncertain significance for Merosin deficient congenital muscular dystrophy; Muscular dystrophy, limb-girdle, autosomal recessive 23. Last evaluated: 2021-10-30. Review status: criteria provided, single submitter. Criteria: ACMG Guidelines, 2015. Collection method: clinical testing. Allele origin: unknown.

GeneDx
Classification: Uncertain significance. Last evaluated: 2021-08-02. Review status: criteria provided, single submitter. Criteria: GeneDx Variant Classification Process June 2021. Collection method: clinical testing. Allele origin: germline. Affected: yes.
Comment: Reported previously in the heterozygous state in a patient with a congenital muscular dystrophy phenotype who also harbors a COL6A2 variant; however, additional clinical and segregation information was not provided (Valencia et al., 2012); In silico analysis supports that this missense variant does not alter protein structure/function; This variant is associated with the following publications: (PMID: 22426012, 8910357)

Mayo Clinic Laboratories, Mayo Clinic
Classification: Uncertain significance. Last evaluated: 2020-04-15. Review status: criteria provided, single submitter. Criteria: ACMG Guidelines, 2015. Collection method: clinical testing. Allele origin: germline. Observed: 1 variant allele.

Illumina Laboratory Services, Illumina
Classification: Uncertain significance for Congenital muscular dystrophy due to partial LAMA2 deficiency. Last evaluated: 2017-04-27. Review status: criteria provided, single submitter. Criteria: ICSL Variant Classification Criteria 13 December 2019. Collection method: clinical testing. Allele origin: germline.
Comment: This variant was observed as part of a predisposition screen in an ostensibly healthy population. A literature search was performed for the gene, cDNA change, and amino acid change (where applicable). Publications were found based on this search. However, the evidence from the literature, in combination with allele frequency data from public databases where available, was not sufficient to rule this variant in or out of causing disease. Therefore, this variant is classified as a variant of unknown significance.

Counsyl
Classification: Uncertain significance for Merosin deficient congenital muscular dystrophy. Last evaluated: 2017-01-09. Review status: no assertion criteria provided. Collection method: clinical testing. Allele origin: unknown. Not counted in ClinVar's aggregate classification.

Clinical Genetics DNA and cytogenetics Diagnostics Lab, Erasmus MC, Erasmus Medical Center
Classification: Uncertain significance. Review status: no assertion criteria provided. Collection method: clinical testing. Allele origin: germline. Affected: yes. Study: VKGL Data-share Consensus. Not counted in ClinVar's aggregate classification.

Diagnostic Laboratory, Department of Genetics, University Medical Center Groningen
Classification: Uncertain significance. Review status: no assertion criteria provided. Collection method: clinical testing. Allele origin: germline. Affected: yes. Study: VKGL Data-share Consensus. Not counted in ClinVar's aggregate classification.

Literature cited by the submitters: PubMed 22426012 (cited by Illumina Laboratory Services, Illumina and Counsyl).

NM_000426.4(LAMA2):c.4010A>G (p.His1337Arg)

Gene: LAMA2 (laminin subunit alpha 2; plus strand). Cytogenetic location: 6q22.33.
Variant type: single nucleotide variant.
Coding change: c.4010A>G on transcript NM_000426.4 (MANE Select); coding-DNA position 4010, A replaced by G.
Protein change: p.His1337Arg; replaces histidine 1337 with arginine.
Molecular consequence: missense variant.
Genome position (GRCh38, 1-based): chr6:129,316,123, A>G. VCF-style: chr6-129316123-A-G. GRCh37 (hg19) VCF-style: chr6-129637268-A-G.
Other names: c.4010A>G, p.His1337Arg (NM_001079823.2); short protein forms H1337R.
Identifiers: ClinVar variation 477467 (VCV000477467.26), dbSNP rs139739075, ClinGen allele CA3993409.